The following is an entry in ClinVar:

ClinVar aggregate classification (germline): Uncertain significance (1 of 4 stars; one submission).

Conditions:
Autosomal recessive limb-girdle muscular dystrophy type R18 (LGMDR18). Also called: MUSCULAR DYSTROPHY, LIMB-GIRDLE, AUTOSOMAL RECESSIVE 18; Autosomal recessive limb-girdle muscular dystrophy type 2S; Limb-girdle muscular dystrophy, type 2S. Identifiers: Orphanet 369840, MedGen C4517996, MONDO:0014144, OMIM 615356.

Allele frequency attached by ClinVar (database versions not stated): gnomAD exomes below 0.00001; gnomAD 0.00001; TOPMed 0.00001.

Submission:

Labcorp Genetics (formerly Invitae), Labcorp
Classification: Uncertain significance for Autosomal recessive limb-girdle muscular dystrophy type R18. Last evaluated: 2023-08-04. Review status: criteria provided, single submitter. Criteria: Invitae Variant Classification Sherloc (09022015). Collection method: clinical testing. Allele origin: germline.
Comment: In summary, the available evidence is currently insufficient to determine the role of this variant in disease. Therefore, it has been classified as a Variant of Uncertain Significance. An algorithm developed to predict the effect of missense changes on protein structure and function (PolyPhen-2) suggests that this variant is likely to be tolerated. ClinVar contains an entry for this variant (Variation ID: 1381186). This variant has not been reported in the literature in individuals affected with TRAPPC11-related conditions. This variant is present in population databases (no rsID available, gnomAD 0.01%). This sequence change replaces valine, which is neutral and non-polar, with alanine, which is neutral and non-polar, at codon 648 of the TRAPPC11 protein (p.Val648Ala).

NM_021942.6(TRAPPC11):c.1943T>C (p.Val648Ala)

Gene: TRAPPC11 (trafficking protein particle complex subunit 11; plus strand). Cytogenetic location: 4q35.1.
Variant type: single nucleotide variant.
Coding change: c.1943T>C on transcript NM_021942.6 (MANE Select); coding-DNA position 1943, T replaced by C.
Protein change: p.Val648Ala; replaces valine 648 with alanine.
Molecular consequence: missense variant.
Genome position (GRCh38, 1-based): chr4:183,691,365, T>C. VCF-style: chr4-183691365-T-C. GRCh37 (hg19) VCF-style: chr4-184612518-T-C.
Other names: c.1943T>C, p.Val648Ala (NM_199053.3); short protein forms V648A.
Identifiers: ClinVar variation 1381186 (VCV001381186.8), dbSNP rs1323103822, ClinGen allele CA358870431.
Genomic context (GRCh38, chr4:183,691,365, plus strand): 5'-ACCTTTTTCAGGAATACAACCAGTTCTGTGTAATAGAAGAAGCATCCAAAGCAAATGAAG[T>C]TTTAGAAAATCTGACTCAAGGAAAGATGTGCCTAGTTCCTGGCAAAACAAGAAAACTGTT-3'
Protein context (NP_068761.4, residues 638-658): VIEEASKANE[Val648Ala]LENLTQGKMC